The following is an entry in ClinVar:

NM_000478.6(ALPL):c.1483G>A (p.Gly495Ser)

Gene: ALPL (alkaline phosphatase, biomineralization associated; plus strand). Cytogenetic location: 1p36.12.
Variant type: single nucleotide variant.
Coding change: c.1483G>A on transcript NM_000478.6 (MANE Select); coding-DNA position 1483, G replaced by A.
Protein change: p.Gly495Ser; replaces glycine 495 with serine.
Molecular consequence: missense variant.
Genome position (GRCh38, 1-based): chr1:21,577,556, G>A. VCF-style: chr1-21577556-G-A. GRCh37 (hg19) VCF-style: chr1-21904049-G-A.
Other names: c.1318G>A, p.Gly440Ser (NM_001127501.4); c.1252G>A, p.Gly418Ser (NM_001177520.3); c.1483G>A, p.Gly495Ser (NM_001369803.2, NM_001369804.2, NM_001369805.2); short protein forms G418S, G495S, G440S.
Identifiers: ClinVar variation 969756 (VCV000969756.14), dbSNP rs761079751, ClinGen allele CA666865.
Genomic context (GRCh38, chr1:21,577,556, plus strand): 5'-CACGAGCAGAACTACGTCCCCCACGTGATGGCGTATGCAGCCTGCATCGGGGCCAACCTC[G>A]GCCACTGTGCTCCTGCCAGCTCGGCAGGCAGCCTTGCTGCAGGCCCCCTGCTGCTCGCGC-3'
Protein context (NP_000469.3, residues 485-505): AYAACIGANL[Gly495Ser]HCAPASSAGS

ClinVar aggregate classification (germline): Conflicting classifications of pathogenicity. Review status: criteria provided, conflicting classifications (1 of 4 stars). 6 submissions from 6 submitters: Pathogenic (1); Likely pathogenic (2); Uncertain significance (3). Last evaluated 2025-10-27.

Conditions:
Hypophosphatasia. Also called: Phosphoethanol-aminuria. Identifiers: Orphanet 436, MedGen C0020630, MeSH D007014, MONDO:0018570.

gnomAD v4.1: 15 of 1,604,752 alleles (0.00093%); highest among the groups gnomAD compares: South Asian, 0.0077%; no homozygotes.

Submissions (6):

Myriad Genetics, Inc.
Classification: Uncertain significance for Hypophosphatasia. Last evaluated: 2025-10-27. Review status: criteria provided, single submitter. Criteria: Myriad Autosomal Dominant, Autosomal Recessive and X-Linked Classification Criteria (2023). Collection method: clinical testing. Allele origin: unknown.
Comment: NM_000478.4(ALPL):c.1483G>A(G495S) is a missense variant classified as a variant of uncertain significance in the context of hypophosphatasia. G495S has been observed in cases with relevant disease (PMID: 31707452, 36361766, 36514157, 39983296). Relevant functional assessments of this variant are available in the literature (PMID: 32160374). G495S has been observed in referenced population frequency databases. In summary, there is insufficient evidence to classify NM_000478.4(ALPL):c.1483G>A(G495S) as pathogenic or benign. Please note: this variant was assessed in the context of healthy population screening.

Genomenon, Inc
Classification: Uncertain significance for Hypophosphatasia. Last evaluated: 2025-08-29. Review status: criteria provided, single submitter. Criteria: Genomenon Sequence Variant Interpretation Standards. Collection method: curation. Allele origin: germline. Affected: yes.
Comment: ALPL Gly495Ser (c.1483G>A) is a missense variant that changes the amino acid at residue 495 from Glycine to Serine. This variant has been observed in at least one proband affected with hypophosphatasia (PMID:36361766;36514157;30049651). Functional studies have been reported;however, the significance of the findings remain unclear (PMID:32160374). It is absent or not present at a significant frequency in gnomAD. In silico models agree that this variant is not damaging. In conclusion, we classify ALPL p.Gly495Ser (c.1483G>A) as a variant of unknown significance.

Natera, Inc.
Classification: Likely pathogenic for Hypophosphatasia. Last evaluated: 2025-08-23. Review status: criteria provided, single submitter. Criteria: Natera Variant Classification Schema (03/2026). Collection method: clinical testing. Allele origin: germline.
Comment: The c.1483G>A variant in ALPL is a missense variant predicted to cause substitution of glycine to serine at amino acid 495. This variant is rare in the general population with a frequency below the threshold expected for the associated phenotype(s). This variant has been observed in one or more individuals affected with the associated recessive disease, as either homozygous or compound heterozygous with a second variant (PMID: 31707452, 30049651, 39925621). This variant has been observed in affected individual(s) with monoallelic occurrence (heterozygous/hemizygous) (PMID: 36361766, 36514157). Given the available evidence, this variant is classified as Likely Pathogenic.

Women's Health and Genetics/Laboratory Corporation of America, LabCorp
Classification: Likely pathogenic for Hypophosphatasia. Last evaluated: 2025-06-06. Review status: criteria provided, single submitter. Criteria: LabCorp Variant Classification Summary - May 2015. Collection method: clinical testing. Allele origin: germline.
Comment: Variant summary: ALPL c.1483G>A (p.Gly495Ser) results in a non-conservative amino acid change in the encoded protein sequence. Algorithms developed to predict the effect of missense changes on protein structure and function are either unavailable or do not agree on the potential impact of this missense change. The variant allele was found at a frequency of 2.1e-05 in 240260 control chromosomes. c.1483G>A has been observed in individuals affected with Hypophosphatasia or with clinical features of Hypophosphatasia, reported as a homozygous, compound heterozygous, heterozygous, or unrepoted genotypes with recessive or potentially dominant modes of inheritance (e.g. Michigami_2020, Akiyama_2018, Glotov_2022, Feurstein_2022, MacCarrick_2023, Kishnani_2024, Internal Data). These data indicate that the variant is likely to be associated with disease. At least one publication reports experimental evidence evaluating an impact on protein function. The most pronounced variant effect results in >50%-90% of normal activity (e.g. DelAngel_2020). The following publications have been ascertained in the context of this evaluation (PMID: 30049651, 32160374, 36514157, 36361766, 38884565, 38702915, 31707452).ClinVar contains an entry for this variant (Variation ID: 969756). Based on the evidence outlined above, the variant was classified as likely pathogenic.

Labcorp Genetics (formerly Invitae), Labcorp
Classification: Pathogenic. Last evaluated: 2025-03-13. Review status: criteria provided, single submitter. Criteria: Invitae Variant Classification Sherloc (09022015). Collection method: clinical testing. Allele origin: germline.
Comment: This sequence change replaces glycine, which is neutral and non-polar, with serine, which is neutral and polar, at codon 495 of the ALPL protein (p.Gly495Ser). This variant is present in population databases (rs761079751, gnomAD 0.01%). This missense change has been observed in individual(s) with hypophosphatasia (PMID: 31707452; internal data). In at least one individual the data is consistent with being in trans (on the opposite chromosome) from a pathogenic variant. ClinVar contains an entry for this variant (Variation ID: 969756). Invitae Evidence Modeling of protein sequence and biophysical properties (such as structural, functional, and spatial information, amino acid conservation, physicochemical variation, residue mobility, and thermodynamic stability) has been performed for this missense variant. However, the output from this modeling did not meet the statistical confidence thresholds required to predict the impact of this variant on ALPL protein function. Experimental studies have shown that this missense change affects ALPL function (PMID: 32160374). For these reasons, this variant has been classified as Pathogenic.

JKU Lab, Dept of Paediatrics, Johannes Kepler University
Classification: Uncertain significance for Hypophosphatasia. Last evaluated: 2024-04-09. Review status: criteria provided, single submitter. Criteria: ACMG Guidelines, 2015. Collection method: clinical testing. Allele origin: germline. Affected: yes.
Comment: The variant is present in GnomAD, with a reported frequency of 0.000895% (f = 0.00000895). The ACMG criteria applied can be looked up in the ALPL gene variant database.

Literature cited by the submitters: PubMed 31707452 (cited by 5 submitters); PubMed 32160374 (cited by 4 submitters); PubMed 36361766 (cited by 5 submitters); PubMed 36514157 (cited by 5 submitters); PubMed 39983296 (cited by Myriad Genetics, Inc.); PubMed 30049651 (cited by 4 submitters); PubMed 39925621 (cited by Natera, Inc.); PubMed 38884565 (cited by Women's Health and Genetics/Laboratory Corporation of America, LabCorp); PubMed 38702915 (cited by Women's Health and Genetics/Laboratory Corporation of America, LabCorp).